The following is an entry in ClinVar:

NM_000179.3(MSH6):c.1162C>T (p.His388Tyr)

Gene: MSH6 (mutS homolog 6; plus strand). Cytogenetic location: 2p16.3.
Variant type: single nucleotide variant.
Coding change: c.1162C>T on transcript NM_000179.3 (MANE Select); coding-DNA position 1162, C replaced by T.
Protein change: p.His388Tyr; replaces histidine 388 with tyrosine.
Molecular consequence: missense variant.
Genome position (GRCh38, 1-based): chr2:47,799,145, C>T. VCF-style: chr2-47799145-C-T. GRCh37 (hg19) VCF-style: chr2-48026284-C-T.
Other names: c.772C>T, p.His258Tyr (NM_001281492.2); c.256C>T, p.His86Tyr (NM_001281493.2, NM_001281494.2); short protein forms H258Y, H86Y, H388Y.
Identifiers: ClinVar variation 941958 (VCV000941958.14), dbSNP rs770386388, ClinGen allele CA346742267.

ClinVar aggregate classification (germline): Uncertain significance. Review status: criteria provided, multiple submitters, no conflicts (2 of 4 stars). 4 submissions from 4 submitters: Uncertain significance (4). Last evaluated 2026-08-10.

Conditions:
Hereditary nonpolyposis colorectal neoplasms. Identifiers: MedGen C0009405, MeSH D003123.
Hereditary cancer-predisposing syndrome. Also called: Neoplastic Syndromes, Hereditary; Hereditary Cancer Syndrome; Tumor predisposition; Hereditary neoplastic syndrome. Identifiers: Orphanet 140162, MedGen C0027672, MeSH D009386, MONDO:0015356.

Submissions (4):

Ambry Genetics
Classification: Uncertain significance for Hereditary cancer-predisposing syndrome. Last evaluated: 2026-08-10. Review status: criteria provided, single submitter. Criteria: Ambry Variant Classification Scheme 2023. Collection method: clinical testing. Allele origin: germline.
Comment: The p.H388Y variant (also known as c.1162C>T), located in coding exon 4 of the MSH6 gene, results from a C to T substitution at nucleotide position 1162. The histidine at codon 388 is replaced by tyrosine, an amino acid with similar properties. This amino acid position is not well conserved in available vertebrate species. In addition, this alteration is predicted to be tolerated by in silico analysis. Based on the available evidence, the clinical significance of this variant remains unclear.

Labcorp Genetics (formerly Invitae), Labcorp
Classification: Uncertain significance for Hereditary nonpolyposis colorectal neoplasms. Last evaluated: 2025-11-17. Review status: criteria provided, single submitter. Criteria: Invitae Variant Classification Sherloc (09022015). Collection method: clinical testing. Allele origin: germline.
Comment: This sequence change replaces histidine, which is basic and polar, with tyrosine, which is neutral and polar, at codon 388 of the MSH6 protein (p.His388Tyr). This variant is not present in population databases (gnomAD no frequency). This variant has not been reported in the literature in individuals affected with MSH6-related conditions. ClinVar contains an entry for this variant (Variation ID: 941958). Invitae Evidence Modeling of protein sequence and biophysical properties (such as structural, functional, and spatial information, amino acid conservation, physicochemical variation, residue mobility, and thermodynamic stability) indicates that this missense variant is not expected to disrupt MSH6 protein function with a negative predictive value of 95%. In summary, the available evidence is currently insufficient to determine the role of this variant in disease. Therefore, it has been classified as a Variant of Uncertain Significance.

GeneDx
Classification: Uncertain significance. Last evaluated: 2025-06-18. Review status: criteria provided, single submitter. Criteria: GeneDx Variant Classification Process June 2021. Collection method: clinical testing. Allele origin: germline. Affected: yes.
Comment: Not observed at significant frequency in large population cohorts (gnomAD); In silico analysis supports that this missense variant has a deleterious effect on protein structure/function; Has not been previously published as pathogenic or benign to our knowledge

Color Diagnostics, LLC DBA Color Health
Classification: Uncertain significance for Hereditary cancer-predisposing syndrome. Last evaluated: 2022-02-17. Review status: criteria provided, single submitter. Criteria: ACMG Guidelines, 2015. Collection method: clinical testing. Allele origin: germline.
Comment: This missense variant replaces histidine with tyrosine at codon 388 of the MSH6 protein. Computational prediction suggests that this variant may not impact protein structure and function (internally defined REVEL score threshold <= 0.5, PMID: 27666373). To our knowledge, functional studies have not been reported for this variant. This variant has not been reported in individuals affected with hereditary cancer in the literature. This variant has not been identified in the general population by the Genome Aggregation Database (gnomAD). The available evidence is insufficient to determine the role of this variant in disease conclusively. Therefore, this variant is classified as a Variant of Uncertain Significance.